The following is an entry in ClinVar:

ClinVar aggregate classification (germline): Uncertain significance (1 of 4 stars; one submission).

Submission:

GeneDx
Classification: Uncertain significance. Last evaluated: 2017-09-07. Review status: criteria provided, single submitter. Criteria: GeneDx Variant Classification (06012015). Collection method: clinical testing. Allele origin: germline. Affected: yes.
Comment: A variant of uncertain significance has been identified in the PRKG1 gene. The G382R variant has not been published as pathogenic or been reported as benign to our knowledge. This variant is also not observed in large population cohorts (Lek et al., 2016; 1000 Genomes Consortium et al., 2015; Exome Variant Server). The G382R variant is a non-conservative amino acid substitution, which is likely to impact secondary protein structure as these residues differ in polarity, charge, size and/or other properties. Additionally, this substitution occurs at a position that is conserved across species and in silico analysis predicts this variant is probably damaging to the protein structure/function. Nevertheless, this variant has not been observed in a significant number of affected individuals, and it lacks both segregation and functional studies which would further clarify its pathogenicity.

NM_006258.4(PRKG1):c.1144G>A (p.Gly382Arg)

Gene: PRKG1 (protein kinase cGMP-dependent 1; plus strand). Cytogenetic location: 10q21.1.
Variant type: single nucleotide variant.
Coding change: c.1144G>A on transcript NM_006258.4 (MANE Select); coding-DNA position 1144, G replaced by A.
Protein change: p.Gly382Arg; replaces glycine 382 with arginine.
Molecular consequence: missense variant.
Genome position (GRCh38, 1-based): chr10:52,251,637, G>A. VCF-style: chr10-52251637-G-A. GRCh37 (hg19) VCF-style: chr10-54011397-G-A.
Other names: c.1099G>A, p.Gly367Arg (NM_001098512.3, LRG_1135t2); c.1144G>A, p.Gly382Arg (LRG_1135t1); short protein forms G367R, G382R.
Identifiers: ClinVar variation 451919 (VCV000451919.2), dbSNP rs1554821529, ClinGen allele CA376534762.